The following is an entry in ClinVar:

NM_020937.4(FANCM):c.1087A>G (p.Ile363Val)

Gene: FANCM (FA complementation group M; plus strand). Cytogenetic location: 14q21.2.
Variant type: single nucleotide variant.
Coding change: c.1087A>G on transcript NM_020937.4 (MANE Select); coding-DNA position 1087, A replaced by G.
Protein change: p.Ile363Val; replaces isoleucine 363 with valine.
Molecular consequence: missense variant.
Genome position (GRCh38, 1-based): chr14:45,153,956, A>G. VCF-style: chr14-45153956-A-G. GRCh37 (hg19) VCF-style: chr14-45623159-A-G.
Other names: c.1009A>G, p.Ile337Val (NM_001308133.2); c.1087A>G, p.Ile363Val (NM_001308134.2); short protein forms I337V, I363V.
Identifiers: ClinVar variation 1926602 (VCV001926602.5), dbSNP rs780836922, ClinGen allele CA7168932.

ClinVar aggregate classification (germline): Uncertain significance (1 of 4 stars; one submission).

Conditions:
Fanconi anemia (FA). Also called: Fanconi's anemia. Identifiers: Orphanet 84, MedGen C0015625, MeSH D005199, MONDO:0019391.

Allele frequency attached by ClinVar (database versions not stated): TOPMed below 0.00001; ExAC 0.00001; gnomAD 0.00001.
gnomAD v4.1: 4 of 1,605,426 alleles (0.00025%); highest among the groups gnomAD compares: East Asian, 0.0022%; no homozygotes.

Submission:

Labcorp Genetics (formerly Invitae), Labcorp
Classification: Uncertain significance for Fanconi anemia. Last evaluated: 2022-10-03. Review status: criteria provided, single submitter. Criteria: Invitae Variant Classification Sherloc (09022015). Collection method: clinical testing. Allele origin: germline.
Comment: This sequence change replaces isoleucine, which is neutral and non-polar, with valine, which is neutral and non-polar, at codon 363 of the FANCM protein (p.Ile363Val). This variant is present in population databases (rs780836922, gnomAD 0.006%). This variant has not been reported in the literature in individuals affected with FANCM-related conditions. Algorithms developed to predict the effect of missense changes on protein structure and function output the following: SIFT: "Tolerated"; PolyPhen-2: "Benign"; Align-GVGD: "Class C0". The valine amino acid residue is found in multiple mammalian species, which suggests that this missense change does not adversely affect protein function. In summary, the available evidence is currently insufficient to determine the role of this variant in disease. Therefore, it has been classified as a Variant of Uncertain Significance.